The following is an entry in ClinVar:

ClinVar aggregate classification (germline): Benign/Likely benign. Review status: criteria provided, multiple submitters, no conflicts (2 of 4 stars). 6 submissions from 6 submitters: Benign (1); Likely benign (5). Last evaluated 2025-05-11.

Conditions:
Hereditary nonpolyposis colorectal neoplasms. Identifiers: MedGen C0009405, MeSH D003123.
Lynch syndrome 5 (LYNCH5). Also called: Colorectal cancer, hereditary nonpolyposis, type 5; Hereditary non-polyposis colorectal cancer, type 5. Identifiers: Orphanet 144, MedGen C1833477, MONDO:0013710, OMIM 614350. Disease mechanism: loss of function.
Lynch syndrome. Identifiers: Orphanet 144, MedGen C4552100, MONDO:0005835. Disease mechanism: loss of function.
Hereditary cancer-predisposing syndrome. Also called: Hereditary Cancer Syndrome; Neoplastic Syndromes, Hereditary; Tumor predisposition; Hereditary neoplastic syndrome. Identifiers: Orphanet 140162, MedGen C0027672, MeSH D009386, MONDO:0015356.

Allele frequency attached by ClinVar (database versions not stated): gnomAD exomes 0.00001; ExAC 0.00002.
gnomAD v4.1: 3 of 1,612,230 alleles (0.00019%); highest among the groups gnomAD compares: Non-Finnish European, 0.00025%; no homozygotes.

Submissions (6):

Labcorp Genetics (formerly Invitae), Labcorp
Classification: Likely benign for Hereditary nonpolyposis colorectal neoplasms. Last evaluated: 2025-05-11. Review status: criteria provided, single submitter. Criteria: Invitae Variant Classification Sherloc (09022015). Collection method: clinical testing. Allele origin: germline.

Myriad Genetics, Inc.
Classification: Benign for Lynch syndrome 5. Last evaluated: 2024-12-16. Review status: criteria provided, single submitter. Criteria: Myriad Autosomal Dominant, Autosomal Recessive and X-Linked Classification Criteria (2023). Collection method: clinical testing. Allele origin: unknown.
Comment: This variant is considered benign. This variant is a silent/synonymous amino acid change and it is not expected to impact splicing.

All of Us Research Program, National Institutes of Health
Classification: Likely benign for Lynch syndrome. Last evaluated: 2024-05-14. Review status: criteria provided, single submitter. Criteria: ACMG Guidelines, 2015. Collection method: clinical testing. Allele origin: germline. Inheritance: Autosomal dominant inheritance. Observed: 2 variant alleles, 2 heterozygotes.
Comment: This study involves interpretation of variants in research participants for the purpose of population health screening. Participant phenotype was not available at the time of variant classification. Additional details can be found in publication PMID: 35346344, PMCID: PMC8962531

Women's Health and Genetics/Laboratory Corporation of America, LabCorp
Classification: Likely benign. Last evaluated: 2021-11-17. Review status: criteria provided, single submitter. Criteria: LabCorp Variant Classification Summary - May 2015. Collection method: clinical testing. Allele origin: germline.

Color Diagnostics, LLC DBA Color Health
Classification: Likely benign for Hereditary cancer-predisposing syndrome. Last evaluated: 2019-02-12. Review status: criteria provided, single submitter. Criteria: ACMG Guidelines, 2015. Collection method: clinical testing. Allele origin: germline.

Ambry Genetics
Classification: Likely benign for Hereditary cancer-predisposing syndrome. Last evaluated: 2016-04-26. Review status: criteria provided, single submitter. Criteria: Ambry Variant Classification Scheme 2023. Collection method: clinical testing. Allele origin: germline.

NM_000179.3(MSH6):c.36C>G (p.Pro12=)

Gene: MSH6 (mutS homolog 6; plus strand). Cytogenetic location: 2p16.3.
Variant type: single nucleotide variant.
Coding change: c.36C>G on transcript NM_000179.3 (MANE Select); coding-DNA position 36, C replaced by G.
Protein change: p.Pro12=; no amino-acid change (proline 12 retained).
Molecular consequence: synonymous variant. On other transcripts: 5 prime UTR variant (1).
Genome position (GRCh38, 1-based): chr2:47,783,269, C>G. VCF-style: chr2-47783269-C-G. GRCh37 (hg19) VCF-style: chr2-48010408-C-G.
Other names: c.36C>G, p.Pro12= (NM_001281492.2); c.-701C>G (NM_001281493.2).
Identifiers: ClinVar variation 479906 (VCV000479906.20), dbSNP rs760533525, ClinGen allele CA071888.